The following is an entry in ClinVar:

NM_014112.5(TRPS1):c.2658G>T (p.Ser886=)

Gene: TRPS1 (transcriptional repressor GATA binding 1; minus strand). Cytogenetic location: 8q23.3.
Variant type: single nucleotide variant.
Coding change: c.2658G>T on transcript NM_014112.5 (MANE Select); coding-DNA position 2658, G replaced by T.
Protein change: p.Ser886=; no amino-acid change (serine 886 retained).
Molecular consequence: synonymous variant.
Genome position (GRCh38, 1-based): chr8:115,587,043, C>A on the plus strand (G>T on the coding strand, the complement: TRPS1 is on the minus strand). VCF-style: chr8-115587043-C-A. GRCh37 (hg19) VCF-style: chr8-116599270-C-A.
Other names: c.2631G>T, p.Ser877= (NM_001282902.3); c.2637G>T, p.Ser879= (NM_001282903.3); c.2619G>T, p.Ser873= (NM_001330599.2).
Identifiers: ClinVar variation 361613 (VCV000361613.36), dbSNP rs191525942, ClinGen allele CA4851613.
Genomic context (GRCh38, chr8:115,587,043, plus strand): 5'-AAAATGAAACCATCCTACCCGTAACAGGGACTGGGATTCATCCTTGGACTTGTTTTCTCC[C>A]GATGCAGGATACTGCTGGGGGAGGGCCCCAGACTTCTCTCCGCCAGCTGGCGCCCCCTGC-3'
Protein context (NP_054831.2, residues 876-896): SGALPQQYPA[Ser886=]GENKSKDESQ

ClinVar aggregate classification (germline): Benign/Likely benign. Review status: criteria provided, multiple submitters, no conflicts (2 of 4 stars). 4 submissions from 4 submitters: Benign (1); Likely benign (2). 1 of the submissions does not count toward it. Last evaluated 2026-01-24.

Conditions:
TRPS1-related disorder. Also called: TRPS1-related condition.
Trichorhinophalangeal dysplasia type I (TRPS1). Also called: TRICHORHINOPHALANGEAL SYNDROME, TYPE I; TRPS I. Identifiers: Orphanet 77258, MedGen C0432233, MONDO:0008596, OMIM 190350.
Trichorhinophalangeal syndrome, type III (TRPS3). Also called: SUGIO-KAJII SYNDROME. Identifiers: Orphanet 77258, MedGen C1860823, OMIM 190351, MONDO:0008597.

Allele frequency attached by ClinVar (database versions not stated): 1000 Genomes Project 30x 0.00016; 1000 Genomes Project 0.00020; TOPMed 0.00050; ESP Exome Variant Server 0.00076; gnomAD 0.00151 and 0.00158; ExAC 0.00205.
gnomAD v4.1: 1,696 of 1,614,180 alleles (0.11%); highest among the groups gnomAD compares: Non-Finnish European, 0.072%; 7 homozygotes.

Submissions (4):

Labcorp Genetics (formerly Invitae), Labcorp
Classification: Benign for Trichorhinophalangeal syndrome, type III; Trichorhinophalangeal dysplasia type I. Last evaluated: 2026-01-24. Review status: criteria provided, single submitter. Criteria: Invitae Variant Classification Sherloc (09022015). Collection method: clinical testing. Allele origin: germline.

Blueprint Genetics
Classification: Likely benign. Last evaluated: 2024-10-24. Review status: criteria provided, single submitter. Criteria: ACMG Guidelines, 2015. Collection method: clinical testing. Allele origin: germline.

CeGaT Center for Human Genetics Tuebingen
Classification: Likely benign. Last evaluated: 2023-07-01. Review status: criteria provided, single submitter. Criteria: CeGaT Center For Human Genetics Tuebingen Variant Classification Criteria Version 2. Collection method: clinical testing. Allele origin: germline. Affected: yes. Observed: 1 variant allele.
Comment: TRPS1: BP4, BP7

PreventionGenetics, part of Exact Sciences
Classification: Benign for TRPS1-related condition. Last evaluated: 2019-11-26. Review status: no assertion criteria provided. Collection method: clinical testing. Allele origin: germline. Not counted in ClinVar's aggregate classification.
Comment: This variant is classified as benign based on ACMG/AMP sequence variant interpretation guidelines (Richards et al. 2015 PMID: 25741868, with internal and published modifications).